The following is an entry in ClinVar:

ClinVar aggregate classification (germline): Conflicting classifications of pathogenicity. Review status: criteria provided, conflicting classifications (1 of 4 stars). 3 submissions from 3 submitters: Uncertain significance (2); Likely benign (1). Last evaluated 2025-11-09.

Conditions:
Hereditary cancer-predisposing syndrome. Also called: Tumor predisposition; Neoplastic Syndromes, Hereditary; Hereditary Cancer Syndrome; Hereditary neoplastic syndrome. Identifiers: Orphanet 140162, MedGen C0027672, MeSH D009386, MONDO:0015356.
Tuberous sclerosis 1 (TSC1). Identifiers: Orphanet 805, MedGen C1854465, MONDO:0008612, OMIM 191100.
Tuberous sclerosis syndrome (TSC). Also called: Tuberous Sclerosis Complex; Tuberous sclerosis. Identifiers: Orphanet 805, MedGen C0041341, MONDO:0001734.

gnomAD v4.1: 1 of 1,614,252 alleles (0.000062%); no homozygotes.

Submissions (3):

Labcorp Genetics (formerly Invitae), Labcorp
Classification: Likely benign for Tuberous sclerosis 1. Last evaluated: 2025-11-09. Review status: criteria provided, single submitter. Criteria: Invitae Variant Classification Sherloc (09022015). Collection method: clinical testing. Allele origin: germline.

Ambry Genetics
Classification: Uncertain significance for Hereditary cancer-predisposing syndrome. Last evaluated: 2025-04-20. Review status: criteria provided, single submitter. Criteria: Ambry Variant Classification Scheme 2023. Collection method: clinical testing. Allele origin: germline.
Comment: The p.I97L variant (also known as c.289A>T), located in coding exon 3 of the TSC1 gene, results from an A to T substitution at nucleotide position 289. The isoleucine at codon 97 is replaced by leucine, an amino acid with highly similar properties. This amino acid position is not well conserved in available vertebrate species. In addition, this alteration is predicted to be tolerated by in silico analysis. Since supporting evidence is limited at this time, the clinical significance of this alteration remains unclear.

All of Us Research Program, National Institutes of Health
Classification: Uncertain significance for Tuberous sclerosis syndrome. Last evaluated: 2024-05-14. Review status: criteria provided, single submitter. Criteria: ACMG Guidelines, 2015. Collection method: clinical testing. Allele origin: germline. Inheritance: Autosomal dominant inheritance. Observed: 3 variant alleles, 3 heterozygotes.
Comment: This missense variant replaces isoleucine with leucine at codon 97 of the TSC1 protein. Computational prediction suggests that this variant may not impact protein structure and function (internally defined REVEL score threshold <= 0.5, PMID: 27666373). To our knowledge, functional studies have not been reported for this variant. This variant has not been reported in individuals affected with TSC1-related disorders in the literature. This variant has been identified in 1/251368 chromosomes in the general population by the Genome Aggregation Database (gnomAD). The available evidence is insufficient to determine the role of this variant in disease conclusively. Therefore, this variant is classified as a Variant of Uncertain Significance.

This study involves interpretation of variants in research participants for the purpose of population health screening. Participant phenotype was not available at the time of variant classification. Additional details can be found in publication PMID: 35346344, PMCID: PMC8962531

NM_000368.5(TSC1):c.289A>T (p.Ile97Leu)

Gene: TSC1 (TSC complex subunit 1; minus strand). Cytogenetic location: 9q34.13.
Variant type: single nucleotide variant.
Coding change: c.289A>T on transcript NM_000368.5 (MANE Select); coding-DNA position 289, A replaced by T.
Protein change: p.Ile97Leu; replaces isoleucine 97 with leucine.
Molecular consequence: missense variant. On other transcripts: 5 prime UTR variant (1), intron variant (1).
Genome position (GRCh38, 1-based): chr9:132,925,661, T>A on the plus strand (A>T on the coding strand, the complement: TSC1 is on the minus strand). VCF-style: chr9-132925661-T-A. GRCh37 (hg19) VCF-style: chr9-135801048-T-A.
Other names: c.289A>T, p.Ile97Leu (NM_001162426.2); c.-75A>T (NM_001362177.2); c.210+1540A>T (NM_001162427.2); short protein forms I97L.
Identifiers: ClinVar variation 1060507 (VCV001060507.12), dbSNP rs138541569, ClinGen allele CA034975.